The following is an entry in ClinVar:

ClinVar aggregate classification (germline): Uncertain significance (1 of 4 stars; one submission).

Conditions:
DICER1-related tumor predisposition. Also called: DICER1-related pleuropulmonary blastoma cancer predisposition syndrome; DICER1 syndrome. Identifiers: Orphanet 284343, MedGen C3839822, MONDO:0100216.

Submission:

Labcorp Genetics (formerly Invitae), Labcorp
Classification: Uncertain significance for DICER1-related tumor predisposition. Last evaluated: 2024-04-29. Review status: criteria provided, single submitter. Criteria: Invitae Variant Classification Sherloc (09022015). Collection method: clinical testing. Allele origin: germline.
Comment: This sequence change replaces serine, which is neutral and polar, with arginine, which is basic and polar, at codon 1620 of the DICER1 protein (p.Ser1620Arg). This variant is not present in population databases (gnomAD no frequency). This variant has not been reported in the literature in individuals affected with DICER1-related conditions. ClinVar contains an entry for this variant (Variation ID: 2197370). An algorithm developed to predict the effect of missense changes on protein structure and function (PolyPhen-2) suggests that this variant is likely to be tolerated. In summary, the available evidence is currently insufficient to determine the role of this variant in disease. Therefore, it has been classified as a Variant of Uncertain Significance.

NM_177438.3(DICER1):c.4860C>G (p.Ser1620Arg)

Gene: DICER1 (dicer 1, ribonuclease III; minus strand). Cytogenetic location: 14q32.13.
Variant type: single nucleotide variant.
Coding change: c.4860C>G on transcript NM_177438.3 (MANE Select); coding-DNA position 4860, C replaced by G.
Protein change: p.Ser1620Arg; replaces serine 1620 with arginine.
Molecular consequence: missense variant. On other transcripts: non-coding transcript variant (6).
Genome position (GRCh38, 1-based): chr14:95,096,060, G>C on the plus strand (C>G on the coding strand, the complement: DICER1 is on the minus strand). VCF-style: chr14-95096060-G-C. GRCh37 (hg19) VCF-style: chr14-95562397-G-C.
Other names: c.4860C>G, p.Ser1620Arg (NM_001195573.1, NM_001271282.3, NM_001291628.2 and 13 more transcripts); c.4578C>G, p.Ser1526Arg (NM_001395686.1); c.4455C>G, p.Ser1485Arg (NM_001395687.1, NM_001395688.1, NM_001395689.1 and 2 more transcripts); c.4293C>G, p.Ser1431Arg (NM_001395691.1); c.3177C>G, p.Ser1059Arg (NM_001395697.1); short protein forms S1059R, S1620R, S1431R, S1485R, S1526R.
Identifiers: ClinVar variation 2197370 (VCV002197370.4), dbSNP rs2139841781, ClinGen allele CA390866681.